The following is an entry in ClinVar:

NM_003322.6(TULP1):c.1503T>C (p.Tyr501=)

Gene: TULP1 (TUB like protein 1; minus strand). Cytogenetic location: 6p21.31.
Variant type: single nucleotide variant.
Coding change: c.1503T>C on transcript NM_003322.6 (MANE Select); coding-DNA position 1503, T replaced by C.
Protein change: p.Tyr501=; no amino-acid change (tyrosine 501 retained).
Molecular consequence: synonymous variant.
Genome position (GRCh38, 1-based): chr6:35,498,453, A>G on the plus strand (T>C on the coding strand, the complement: TULP1 is on the minus strand). VCF-style: chr6-35498453-A-G. GRCh37 (hg19) VCF-style: chr6-35466230-A-G.
Other names: c.1344T>C, p.Tyr448= (NM_001289395.2).
Identifiers: ClinVar variation 2153205 (VCV002153205.1), dbSNP rs1053051360, ClinGen allele CA137276991.

ClinVar aggregate classification (germline): Uncertain significance (1 of 4 stars; one submission).

Allele frequency attached by ClinVar (database versions not stated): gnomAD 0.00002; gnomAD exomes 0.00002; TOPMed 0.00002.
gnomAD v4.1: 27 of 1,613,746 alleles (0.0017%); highest among the groups gnomAD compares: Non-Finnish European, 0.0022%; no homozygotes.

Submission:

Labcorp Genetics (formerly Invitae), Labcorp
Classification: Uncertain significance. Last evaluated: 2022-06-03. Review status: criteria provided, single submitter. Criteria: Invitae Variant Classification Sherloc (09022015). Collection method: clinical testing. Allele origin: germline.
Comment: This sequence change affects codon 501 of the TULP1 mRNA. It is a 'silent' change, meaning that it does not change the encoded amino acid sequence of the TULP1 protein. This variant is present in population databases (no rsID available, gnomAD 0.0009%). This variant has not been reported in the literature in individuals affected with TULP1-related conditions. Algorithms developed to predict the effect of sequence changes on RNA splicing suggest that this variant may disrupt the consensus splice site. In summary, the available evidence is currently insufficient to determine the role of this variant in disease. Therefore, it has been classified as a Variant of Uncertain Significance.